The following is an entry in ClinVar:

NM_001330078.2(NRXN1):c.3005C>T (p.Thr1002Ile)

Gene: NRXN1 (neurexin 1; minus strand). Cytogenetic location: 2p16.3.
Variant type: single nucleotide variant.
Coding change: c.3005C>T on transcript NM_001330078.2 (MANE Select); coding-DNA position 3005, C replaced by T.
Protein change: p.Thr1002Ile; replaces threonine 1002 with isoleucine.
Molecular consequence: missense variant.
Genome position (GRCh38, 1-based): chr2:50,495,970, G>A on the plus strand (C>T on the coding strand, the complement: NRXN1 is on the minus strand). VCF-style: chr2-50495970-G-A. GRCh37 (hg19) VCF-style: chr2-50723108-G-A.
Other names: c.3125C>T, p.Thr1042Ile (NM_001135659.3); c.2981C>T, p.Thr994Ile (NM_001330077.2, NM_001330082.2); c.2939C>T, p.Thr980Ile (NM_001330083.2, NM_001330084.2); c.2978C>T, p.Thr993Ile (NM_001330085.2); c.3005C>T, p.Thr1002Ile (NM_001330086.2, NM_004801.6); c.2894C>T, p.Thr965Ile (NM_001330087.2, NM_001330096.2); c.2924C>T, p.Thr975Ile (NM_001330088.2); c.3002C>T, p.Thr1001Ile (NM_001330093.2); and 2 more; short protein forms T1001I, T1042I, T975I, T1002I, T980I, T985I, T994I, T998I.
Identifiers: ClinVar variation 848644 (VCV000848644.10), dbSNP rs1195389843, ClinGen allele CA346776369.

ClinVar aggregate classification (germline): Uncertain significance. Review status: criteria provided, multiple submitters, no conflicts (2 of 4 stars). 2 submissions from 2 submitters: Uncertain significance (2). Last evaluated 2025-09-02.

Conditions:
Inborn genetic diseases. Identifiers: MedGen C0950123, MeSH D030342.
Pitt-Hopkins-like syndrome 2 (PTHSL2). Identifiers: Orphanet 221150, Orphanet 600663, MedGen C3280479, MONDO:0013690, OMIM 614325.

Allele frequency attached by ClinVar (database versions not stated): TOPMed below 0.00001; gnomAD 0.00001.
gnomAD v4.1: 1 of 1,613,404 alleles (0.000062%); highest among the groups gnomAD compares: African/African-American, 0.0013%; no homozygotes.

Submissions (2):

Labcorp Genetics (formerly Invitae), Labcorp
Classification: Uncertain significance for Pitt-Hopkins-like syndrome 2. Last evaluated: 2025-09-02. Review status: criteria provided, single submitter. Criteria: Invitae Variant Classification Sherloc (09022015). Collection method: clinical testing. Allele origin: germline.
Comment: This sequence change replaces threonine, which is neutral and polar, with isoleucine, which is neutral and non-polar, at codon 1042 of the NRXN1 protein (p.Thr1042Ile). This variant is not present in population databases (gnomAD no frequency). This variant has not been reported in the literature in individuals affected with NRXN1-related conditions. ClinVar contains an entry for this variant (Variation ID: 848644). An algorithm developed to predict the effect of missense changes on protein structure and function (PolyPhen-2) suggests that this variant is likely to be tolerated. In summary, the available evidence is currently insufficient to determine the role of this variant in disease. Therefore, it has been classified as a Variant of Uncertain Significance.

Ambry Genetics
Classification: Uncertain significance for Inborn genetic diseases. Last evaluated: 2025-03-07. Review status: criteria provided, single submitter. Criteria: Ambry Variant Classification Scheme 2023. Collection method: clinical testing. Allele origin: germline.